The following is an entry in ClinVar:

ClinVar aggregate classification (germline): Pathogenic. Review status: criteria provided, multiple submitters, no conflicts (2 of 4 stars). 13 submissions from 13 submitters: Pathogenic (9). 4 of the submissions do not count toward it. Last evaluated 2026-08-07.

Conditions:
NDRG1-related disorder. Also called: NDRG1-related condition.
Charcot-Marie-Tooth disease type 4. Also called: Charcot-Marie-Tooth disease, type IV; Charcot-Marie-Tooth, Type 4. Identifiers: Orphanet 64749, MedGen C4082197, MONDO:0018995.
Charcot-Marie-Tooth disease type 4D. Also called: Charcot-Marie-Tooth Neuropathy Type 4D; CHARCOT-MARIE-TOOTH DISEASE, DEMYELINATING, AUTOSOMAL RECESSIVE, TYPE 4D; CHARCOT-MARIE-TOOTH DISEASE, DEMYELINATING, TYPE 4D; NEUROPATHY, HEREDITARY MOTOR AND SENSORY, LOM TYPE. Identifiers: Orphanet 99950, MedGen C1832334, MONDO:0011085, OMIM 601455.

Allele frequency attached by ClinVar (database versions not stated): gnomAD 0.00001; gnomAD exomes 0.00001; TOPMed 0.00001.
gnomAD v4.1: 18 of 1,611,508 alleles (0.0011%); highest among the groups gnomAD compares: African/African-American, 0.0027%; no homozygotes.

Submissions (13):

Institute of Human Genetics, Heidelberg University
Classification: Pathogenic for Charcot-Marie-Tooth disease type 4D. Last evaluated: 2026-08-07. Review status: criteria provided, single submitter. Criteria: ACMG Guidelines, 2015. Collection method: clinical testing. Allele origin: unknown. Affected: yes. Observed: 1 variant allele.
Comment: PM2_supp, PM3_str, PS3_supp, PP1_str

CeGaT Center for Human Genetics Tuebingen
Classification: Pathogenic. Last evaluated: 2026-08-01. Review status: criteria provided, single submitter. Criteria: CeGaT Center For Human Genetics Tuebingen Variant Classification Criteria Version 2. Collection method: clinical testing. Allele origin: germline. Affected: yes. Observed: 9 variant alleles.
Comment: NDRG1: PVS1, PP1:Strong, PM2, PM3

Institute of Human Genetics, University of Leipzig Medical Center
Classification: Pathogenic for Charcot-Marie-Tooth disease type 4D. Last evaluated: 2025-03-04. Review status: criteria provided, single submitter. Criteria: ACMG Guidelines, 2015. Collection method: clinical testing. Allele origin: inherited. Inheritance: Autosomal recessive inheritance. Affected: yes.
Comment: Criteria applied: PVS1,PM3_VSTR,PM2

Blueprint Genetics
Classification: Pathogenic for NDRG1-related disorders. Last evaluated: 2024-11-08. Review status: criteria provided, single submitter. Criteria: ACMG Guidelines, 2015. Collection method: clinical testing. Allele origin: germline. Affected: yes. Observed: 5 variant alleles.

Labcorp Genetics (formerly Invitae), Labcorp
Classification: Pathogenic for Charcot-Marie-Tooth disease type 4. Last evaluated: 2024-04-29. Review status: criteria provided, single submitter. Criteria: Invitae Variant Classification Sherloc (09022015). Collection method: clinical testing. Allele origin: germline.
Comment: This sequence change creates a premature translational stop signal (p.Arg148*) in the NDRG1 gene. It is expected to result in an absent or disrupted protein product. Loss-of-function variants in NDRG1 are known to be pathogenic (PMID: 12872253, 23996628). This variant is not present in population databases (gnomAD no frequency). This premature translational stop signal has been observed in individual(s) with autosomal recessive Charcot–Marie–Tooth (PMID: 10831399, 17470135, 21892769, 23996628, 25108819, 25231362). It is commonly reported in individuals of Roma ancestry (PMID: 25108819, 25231362). ClinVar contains an entry for this variant (Variation ID: 5120). For these reasons, this variant has been classified as Pathogenic.

Natera, Inc.
Classification: Pathogenic for Charcot-Marie-Tooth disease type 4D. Last evaluated: 2024-04-17. Review status: criteria provided, single submitter. Criteria: Natera Variant Classification Schema (03/2026). Collection method: clinical testing. Allele origin: germline.
Comment: The c.442C>T variant in NDRG1 is a nonsense variant predicted to introduce a stop codon at amino acid 148. This variant is expected to result in nonsense mediated decay, truncation, or a dysfunctional protein product. This variant is rare in the general population with a frequency below the threshold expected for the associated phenotype(s). This variant has been observed in one or more individuals affected with the associated recessive disease, as either homozygous or compound heterozygous with a second variant (PMID: 23996628). Additionally, this variant has been observed to segregate in affected family members (PMID: 23996628). Given the available evidence, this variant is classified as Pathogenic.

Institute of Medical Genetics and Applied Genomics, University Hospital Tübingen
Classification: Pathogenic for Charcot-Marie-Tooth disease type 4D. Last evaluated: 2023-09-05. Review status: criteria provided, single submitter. Criteria: ACMG Guidelines, 2015. Collection method: clinical testing. Allele origin: germline. Inheritance: Autosomal recessive inheritance. Affected: yes.

3billion
Classification: Pathogenic for Charcot-Marie-Tooth disease type 4D. Last evaluated: 2023-02-23. Review status: criteria provided, single submitter. Criteria: ACMG Guidelines, 2015. Collection method: clinical testing. Allele origin: unknown. Affected: yes.
Comment: The variant is not observed in the gnomAD v2.1.1 dataset. This variant was predicted to result in a loss or disruption of normal protein function through nonsense-mediated decay (NMD) or protein truncation. Multiple pathogenic variants are reported downstream of the variant. The variant has been reported at least twice as pathogenic without evidence for the classification (ClinVar ID: VCV000005120 / PMID: 10831399). Therefore, this variant is classified as Pathogenic according to the recommendation of ACMG/AMP guideline.

Revvity Omics, Revvity
Classification: Pathogenic for Charcot-Marie-Tooth disease type 4D. Last evaluated: 2019-07-25. Review status: criteria provided, single submitter. Criteria: ACMG Guidelines, 2015. Collection method: clinical testing. Allele origin: germline.

OMIM
Classification: Pathogenic for CHARCOT-MARIE-TOOTH DISEASE, DEMYELINATING, TYPE 4D. Last evaluated: 2007-04-01. Review status: no assertion criteria provided. Collection method: literature only. Allele origin: germline. Not counted in ClinVar's aggregate classification.

Clinical Genetics, Academic Medical Center
Classification: Pathogenic. Review status: no assertion criteria provided. Collection method: clinical testing. Allele origin: germline. Affected: yes. Study: VKGL Data-share Consensus. Not counted in ClinVar's aggregate classification.

GeneReviews
No classification provided. Condition: Charcot-Marie-Tooth disease type 4D. Review status: no classification provided. Collection method: literature only. Allele origin: unknown. Not counted in ClinVar's aggregate classification.

Joint Genome Diagnostic Labs from Nijmegen and Maastricht, Radboudumc and MUMC+
Classification: Pathogenic. Review status: no assertion criteria provided. Collection method: clinical testing. Allele origin: germline. Affected: yes. Study: VKGL Data-share Consensus. Not counted in ClinVar's aggregate classification.

Literature cited by the submitters: PubMed 12872253 (cited by Labcorp Genetics (formerly Invitae), Labcorp); PubMed 23996628 (cited by Labcorp Genetics (formerly Invitae), Labcorp and Natera, Inc.); PubMed 10831399 (cited by 3 submitters); PubMed 17470135 (cited by Labcorp Genetics (formerly Invitae), Labcorp and OMIM); PubMed 21892769 (cited by Labcorp Genetics (formerly Invitae), Labcorp); PubMed 25108819 (cited by Labcorp Genetics (formerly Invitae), Labcorp); PubMed 25231362 (cited by Labcorp Genetics (formerly Invitae), Labcorp); PubMed 15322984 (cited by OMIM); PubMed 20301641 (cited by GeneReviews); NCBI Bookshelf NBK1468 (cited by GeneReviews).

NM_006096.4(NDRG1):c.442C>T (p.Arg148Ter)

Gene: NDRG1 (N-myc downstream regulated 1; minus strand). Cytogenetic location: 8q24.22.
Variant type: single nucleotide variant.
Coding change: c.442C>T on transcript NM_006096.4 (MANE Select); coding-DNA position 442, C replaced by T.
Protein change: p.Arg148Ter; replaces arginine 148 with a stop codon.
Molecular consequence: nonsense.
Genome position (GRCh38, 1-based): chr8:133,258,374, G>A on the plus strand (C>T on the coding strand, the complement: NDRG1 is on the minus strand). VCF-style: chr8-133258374-G-A. GRCh37 (hg19) VCF-style: chr8-134270617-G-A.
Other names: c.442C>T, p.Arg148Ter (NM_001135242.2, NM_001374844.1, NM_001374845.1 and 1 more transcripts); c.244C>T, p.Arg82Ter (NM_001258432.2, NM_001374847.1); c.199C>T, p.Arg67Ter (NM_001258433.2); short protein forms R148*, R67*, R82*.
Identifiers: ClinVar variation 5120 (VCV000005120.69), dbSNP rs119483085, ClinGen allele CA340338.